The following is an entry in ClinVar:

NM_001365536.1(SCN9A):c.2562G>A (p.Met854Ile)

Genes: SCN1A-AS1 (SCN1A and SCN9A antisense RNA 1; plus strand), SCN9A (sodium voltage-gated channel alpha subunit 9; minus strand). Cytogenetic location: 2q24.3.
Variant type: single nucleotide variant.
Coding change: c.2562G>A on transcript NM_001365536.1 (MANE Select); coding-DNA position 2562, G replaced by A.
Protein change: p.Met854Ile; replaces methionine 854 with isoleucine.
Molecular consequence: missense variant.
Genome position (GRCh38, 1-based): chr2:166,277,295, C>T on the plus strand (G>A on the coding strand, the complement: SCN9A is on the minus strand). VCF-style: chr2-166277295-C-T. GRCh37 (hg19) VCF-style: chr2-167133805-C-T.
Other names: c.2529G>A, p.Met843Ile (NM_002977.4); short protein forms M854I, M843I.
Identifiers: ClinVar variation 4794308 (VCV004794308.1).

ClinVar aggregate classification (germline): Uncertain significance (1 of 4 stars; one submission).

Conditions:
Neuropathy, hereditary sensory and autonomic, type 2A (HSAN2A). Also called: HSAN IIA; WNK1-Related HSAN2 (HSAN2A); MORVAN DISEASE; NEUROPATHY, CONGENITAL SENSORY; NEUROPATHY, HEREDITARY SENSORY RADICULAR, AUTOSOMAL RECESSIVE; NEUROPATHY, HEREDITARY SENSORY, TYPE IIA. Identifiers: Orphanet 970, MedGen C2752089, MONDO:0024309, OMIM 201300.
Generalized epilepsy with febrile seizures plus, type 7 (GEFSP7). Also called: GEFS+, TYPE 7. Identifiers: Orphanet 36387, MedGen C2751778, MONDO:0013470, OMIM 613863.

gnomAD v4.1: 1 of 1,613,350 alleles (0.000062%); highest among the groups gnomAD compares: African/African-American, 0.0013%; no homozygotes.

Submission:

Labcorp Genetics (formerly Invitae), Labcorp
Classification: Uncertain significance for Neuropathy, hereditary sensory and autonomic, type 2A; Generalized epilepsy with febrile seizures plus, type 7. Last evaluated: 2025-02-28. Review status: criteria provided, single submitter. Criteria: Invitae Variant Classification Sherloc (09022015). Collection method: clinical testing. Allele origin: germline.
Comment: This sequence change replaces methionine, which is neutral and non-polar, with isoleucine, which is neutral and non-polar, at codon 843 of the SCN9A protein (p.Met843Ile). This variant is not present in population databases (gnomAD no frequency). This variant has not been reported in the literature in individuals affected with SCN9A-related conditions. Invitae Evidence Modeling of protein sequence and biophysical properties (such as structural, functional, and spatial information, amino acid conservation, physicochemical variation, residue mobility, and thermodynamic stability) indicates that this missense variant is not expected to disrupt SCN9A protein function with a negative predictive value of 95%. In summary, the available evidence is currently insufficient to determine the role of this variant in disease. Therefore, it has been classified as a Variant of Uncertain Significance.